The following is an entry in ClinVar:

ClinVar aggregate classification (germline): Uncertain significance. Review status: criteria provided, multiple submitters, no conflicts (2 of 4 stars). 2 submissions from 2 submitters: Uncertain significance (2). Last evaluated 2025-07-13.

Conditions:
Glycogen storage disease XV (GSD15). Also called: GLYCOGENIN DEFICIENCY; GSD XV. Identifiers: Orphanet 263297, MedGen C3150754, MONDO:0013291, OMIM 613507.
Polyglucosan body myopathy type 2. Identifiers: Orphanet 456369, MedGen C4015452, MONDO:0014526, OMIM 616199.
Inborn genetic diseases. Identifiers: MedGen C0950123, MeSH D030342.

Allele frequency attached by ClinVar (database versions not stated): ExAC 0.00007; TOPMed 0.00013; 1000 Genomes Project 30x 0.00016; gnomAD exomes 0.00005; gnomAD 0.00013; 1000 Genomes Project 0.00020; ESP Exome Variant Server 0.00031.
gnomAD v4.1: 53 of 1,613,876 alleles (0.0033%); highest among the groups gnomAD compares: African/African-American, 0.033%; no homozygotes.

Submissions (2):

Labcorp Genetics (formerly Invitae), Labcorp
Classification: Uncertain significance for Polyglucosan body myopathy type 2; Glycogen storage disease XV. Last evaluated: 2025-07-13. Review status: criteria provided, single submitter. Criteria: Invitae Variant Classification Sherloc (09022015). Collection method: clinical testing. Allele origin: germline.
Comment: This sequence change replaces arginine, which is basic and polar, with tryptophan, which is neutral and slightly polar, at codon 321 of the GYG1 protein (p.Arg321Trp). This variant is present in population databases (rs138596591, gnomAD 0.05%). This variant has not been reported in the literature in individuals affected with GYG1-related conditions. ClinVar contains an entry for this variant (Variation ID: 542120). An algorithm developed to predict the effect of missense changes on protein structure and function (PolyPhen-2) suggests that this variant is likely to be tolerated. In summary, the available evidence is currently insufficient to determine the role of this variant in disease. Therefore, it has been classified as a Variant of Uncertain Significance.

Ambry Genetics
Classification: Uncertain significance for Inborn genetic diseases. Last evaluated: 2024-10-08. Review status: criteria provided, single submitter. Criteria: Ambry Variant Classification Scheme 2023. Collection method: clinical testing. Allele origin: germline.

NM_004130.4(GYG1):c.961C>T (p.Arg321Trp)

Gene: GYG1 (glycogenin 1; plus strand). Cytogenetic location: 3q24.
Variant type: single nucleotide variant.
Coding change: c.961C>T on transcript NM_004130.4 (MANE Select); coding-DNA position 961, C replaced by T.
Protein change: p.Arg321Trp; replaces arginine 321 with tryptophan.
Molecular consequence: missense variant. On other transcripts: synonymous variant (1).
Genome position (GRCh38, 1-based): chr3:149,026,841, C>T. VCF-style: chr3-149026841-C-T. GRCh37 (hg19) VCF-style: chr3-148744628-C-T.
Other names: c.910C>T, p.Arg304Trp (NM_001184720.2); c.690C>T, p.Asn230= (NM_001184721.2); short protein forms R321W, R304W.
Identifiers: ClinVar variation 542120 (VCV000542120.10), dbSNP rs138596591, ClinGen allele CA2658724.